The following is an entry in ClinVar:

ClinVar aggregate classification (germline): Likely pathogenic (1 of 4 stars; one submission).

Allele frequency attached by ClinVar (database versions not stated): gnomAD 0.00001.

Submission:

Labcorp Genetics (formerly Invitae), Labcorp
Classification: Likely pathogenic. Last evaluated: 2021-03-30. Review status: criteria provided, single submitter. Criteria: Invitae Variant Classification Sherloc (09022015). Collection method: clinical testing. Allele origin: germline.
Comment: This sequence change affects a donor splice site in intron 11 of the TGM1 gene. It is expected to disrupt RNA splicing. Variants that disrupt the donor or acceptor splice site typically lead to a loss of protein function (PMID: 16199547), and loss-of-function variants in TGM1 are known to be pathogenic (PMID: 18948357, 19241467). This variant is not present in population databases (ExAC no frequency). This variant has not been reported in the literature in individuals with TGM1-related conditions. Algorithms developed to predict the effect of sequence changes on RNA splicing suggest that this variant may disrupt the consensus splice site, but this prediction has not been confirmed by published transcriptional studies. In summary, the currently available evidence indicates that the variant is pathogenic, but additional data are needed to prove that conclusively. Therefore, this variant has been classified as Likely Pathogenic.

Literature cited by the submitters: PubMed 16199547; PubMed 18948357; PubMed 19241467.

NM_000359.3(TGM1):c.1645+2T>C

Gene: TGM1 (transglutaminase 1; minus strand). Cytogenetic location: 14q12.
Variant type: single nucleotide variant.
Coding change: c.1645+2T>C on transcript NM_000359.3 (MANE Select); the canonical splice donor site of the intron after coding-DNA position 1645, T replaced by C.
Molecular consequence: splice donor variant.
Genome position (GRCh38, 1-based): chr14:24,255,362, A>G on the plus strand (T>C on the coding strand, the complement: TGM1 is on the minus strand). VCF-style: chr14-24255362-A-G. GRCh37 (hg19) VCF-style: chr14-24724568-A-G.
Identifiers: ClinVar variation 1470453 (VCV001470453.8), dbSNP rs113705469, ClinGen allele CA257893111.